The following is an entry in ClinVar:

ClinVar aggregate classification (germline): Uncertain significance. Review status: criteria provided, multiple submitters, no conflicts (2 of 4 stars). 2 submissions from 2 submitters: Uncertain significance (2). Last evaluated 2019-11-07.

Conditions:
Hereditary cancer-predisposing syndrome. Also called: Neoplastic Syndromes, Hereditary; Tumor predisposition; Hereditary Cancer Syndrome; Hereditary neoplastic syndrome. Identifiers: Orphanet 140162, MedGen C0027672, MeSH D009386, MONDO:0015356.
Familial adenomatous polyposis 1 (FAP1). Also called: FAMILIAL ADENOMATOUS POLYPOSIS 1, ATTENUATED; POLYPOSIS, ADENOMATOUS INTESTINAL. Identifiers: MedGen C2713442, MONDO:0021056, OMIM 175100. Disease mechanism: loss of function.

Submissions (2):

Labcorp Genetics (formerly Invitae), Labcorp
Classification: Uncertain significance for Familial adenomatous polyposis 1. Last evaluated: 2019-11-07. Review status: criteria provided, single submitter. Criteria: Invitae Variant Classification Sherloc (09022015). Collection method: clinical testing. Allele origin: germline.
Comment: This sequence change replaces alanine with threonine at codon 476 of the APC protein (p.Ala476Thr). The alanine residue is highly conserved and there is a small physicochemical difference between alanine and threonine. This variant is not present in population databases (ExAC no frequency). This variant has not been reported in the literature in individuals with APC-related conditions. ClinVar contains an entry for this variant (Variation ID: 187424). Algorithms developed to predict the effect of missense changes on protein structure and function are either unavailable or do not agree on the potential impact of this missense change (SIFT: "Deleterious"; PolyPhen-2: "Benign"; Align-GVGD: "Class C0"). In summary, the available evidence is currently insufficient to determine the role of this variant in disease. Therefore, it has been classified as a Variant of Uncertain Significance.

Ambry Genetics
Classification: Uncertain significance for Hereditary cancer-predisposing syndrome. Last evaluated: 2014-12-08. Review status: criteria provided, single submitter. Criteria: Ambry Autosomal Dominant and X-Linked criteria (10/2015). Collection method: clinical testing. Allele origin: germline. Observed: 1 variant allele.
Comment: The p.A476T variant (also known as c.1426G>A), located in coding exon 11 of the APC gene, results from a G to A substitution at nucleotide position 1426. The alanine at codon 476 is replaced by threonine, an amino acid with similar properties. This variant was not reported in population based cohorts in the following databases: Database of Single Nucleotide Polymorphisms (dbSNP), NHLBI Exome Sequencing Project (ESP), and 1000 Genomes Project. In the ESP, this variant was not observed in 6502 samples (13004 alleles) with coverage at this position. To date, this alteration has been detected with an allele frequency of approximately 0.005% (greater than 21000 alleles tested) in our clinical cohort.This amino acid position is highly conserved in available vertebrate species. In addition, this alteration is predicted to be tolerated by in silico analysis.Since supporting evidence is limited at this time, the clinical significance of p.A476T remains unclear.

NM_000038.6(APC):c.1426G>A (p.Ala476Thr)

Gene: APC (APC regulator of Wnt signaling pathway; plus strand). Cytogenetic location: 5q22.2.
Variant type: single nucleotide variant.
Coding change: c.1426G>A on transcript NM_000038.6 (MANE Select); coding-DNA position 1426, G replaced by A.
Protein change: p.Ala476Thr; replaces alanine 476 with threonine.
Molecular consequence: missense variant.
Genome position (GRCh38, 1-based): chr5:112,827,125, G>A. VCF-style: chr5-112827125-G-A. GRCh37 (hg19) VCF-style: chr5-112162822-G-A.
Other names: c.1426G>A, p.Ala476Thr (NM_001127510.3, NM_001354895.2); c.1372G>A, p.Ala458Thr (NM_001127511.3); c.1480G>A, p.Ala494Thr (NM_001354896.2); c.1456G>A, p.Ala486Thr (NM_001354897.2); c.1351G>A, p.Ala451Thr (NM_001354898.2); c.1342G>A, p.Ala448Thr (NM_001354899.2); c.1303G>A, p.Ala435Thr (NM_001354900.2); c.1249G>A, p.Ala417Thr (NM_001354901.2); and 5 more; short protein forms A458T, A476T, A448T, A486T, A375T, A451T, A193T, A385T.
Identifiers: ClinVar variation 187424 (VCV000187424.14), dbSNP rs786203723, ClinGen allele CA005142.